The following is an entry in ClinVar:

NM_002160.4(TNC):c.6026C>T (p.Ala2009Val)

Gene: TNC (tenascin C; minus strand). Cytogenetic location: 9q33.1.
Variant type: single nucleotide variant.
Coding change: c.6026C>T on transcript NM_002160.4 (MANE Select); coding-DNA position 6026, C replaced by T.
Protein change: p.Ala2009Val; replaces alanine 2009 with valine.
Molecular consequence: missense variant.
Genome position (GRCh38, 1-based): chr9:115,030,300, G>A on the plus strand (C>T on the coding strand, the complement: TNC is on the minus strand). VCF-style: chr9-115030300-G-A. GRCh37 (hg19) VCF-style: chr9-117792579-G-A.
Other names: c.5480C>T, p.Ala1827Val (NM_001410991.1, NM_001439083.1, NM_001439084.1 and 2 more transcripts); c.6575C>T, p.Ala2192Val (NM_001439065.1, NM_001439066.1, NM_001439067.1); c.6302C>T, p.Ala2101Val (NM_001439068.1, NM_001439069.1, NM_001439070.1); c.6299C>T, p.Ala2100Val (NM_001439071.1); c.6029C>T, p.Ala2010Val (NM_001439072.1, NM_001439073.1); c.6026C>T, p.Ala2009Val (NM_001439074.1, NM_001439075.1, NM_001439076.1); c.5753C>T, p.Ala1918Val (NM_001439077.1, NM_001439078.1, NM_001439079.1 and 3 more transcripts); c.5207C>T, p.Ala1736Val (NM_001439087.1, NM_001439088.1); and 4 more; short protein forms A1554V, A1645V, A1736V, A1918V, A1372V, A2100V, A2101V, A1463V.
Identifiers: ClinVar variation 4979746 (VCV004979746.1).

ClinVar aggregate classification (germline): Likely benign (1 of 4 stars; one submission).

Conditions:
TNC-related disorder. Also called: TNC-related condition.

gnomAD v4.1: 163 of 1,613,678 alleles (0.01%); highest among the groups gnomAD compares: East Asian, 0.08%; no homozygotes.

Submission:

PreventionGenetics, part of Exact Sciences
Classification: Likely benign for TNC-related condition. Last evaluated: 2026-03-23. Review status: criteria provided, single submitter. Criteria: ACMG Guidelines, 2015. Collection method: clinical testing. Allele origin: germline.
Comment: This variant is classified as likely benign based on ACMG/AMP sequence variant interpretation guidelines (Richards et al. 2015 PMID: 25741868, with internal and published modifications).